The following is an entry in ClinVar:

ClinVar aggregate classification (germline): Uncertain significance (1 of 4 stars; one submission).

Submission:

Ambry Genetics
Classification: Uncertain significance. Last evaluated: 2023-01-05. Review status: criteria provided, single submitter. Criteria: Ambry Variant Classification Scheme 2023. Collection method: clinical testing. Allele origin: germline.
Comment: The p.D2255G variant (also known as c.6764A>G), located in coding exon 23 of the POLQ gene, results from an A to G substitution at nucleotide position 6764. The aspartic acid at codon 2255 is replaced by glycine, an amino acid with similar properties. This amino acid position is conserved. In addition, the in silico prediction for this alteration is inconclusive. Since supporting evidence is limited at this time, the clinical significance of this alteration remains unclear.

NM_199420.4(POLQ):c.6764A>G (p.Asp2255Gly)

Gene: POLQ (DNA polymerase theta; minus strand). Cytogenetic location: 3q13.33.
Variant type: single nucleotide variant.
Coding change: c.6764A>G on transcript NM_199420.4 (MANE Select); coding-DNA position 6764, A replaced by G.
Protein change: p.Asp2255Gly; replaces aspartic acid 2255 with glycine.
Molecular consequence: missense variant.
Genome position (GRCh38, 1-based): chr3:121,468,386, T>C on the plus strand (A>G on the coding strand, the complement: POLQ is on the minus strand). VCF-style: chr3-121468386-T-C. GRCh37 (hg19) VCF-style: chr3-121187233-T-C.
Other names: short protein forms D2255G.
Identifiers: ClinVar variation 2448968 (VCV002448968.2), dbSNP rs2546770760, ClinGen allele CA354111632.
Genomic context (GRCh38, chr3:121,468,386, plus strand): 5'-TTGCCTACAGCTTGAGAAGGTGGGCTTTCTCCTACTAGTGTTGGCATTTTGATTTCAAAA[T>C]CTCTTGGCACATTCTGAATATTTGGTTCTGTAAAGGTTATTCGTCCTAAAATCAAGCAGA-3'
Protein context (NP_955452.3, residues 2245-2265): TEPNIQNVPR[Asp2255Gly]FEIKMPTLVG